The following is an entry in ClinVar:

ClinVar aggregate classification (germline): Conflicting classifications of pathogenicity. Review status: criteria provided, conflicting classifications (1 of 4 stars). 4 submissions from 4 submitters: Uncertain significance (3); Benign (1). Last evaluated 2026-06-18.

Conditions:
Familial thoracic aortic aneurysm and aortic dissection (TAAD). Also called: Thoracic aortic aneurysms and dissections. Identifiers: Orphanet 91387, MedGen C4707243, MONDO:0019625.
Oto-palato-digital syndrome, type II (OPD2). Also called: FACIOPALATOOSSEOUS SYNDROME; OPD II SYNDROME; Otopalatodigital Syndrome, Type II; Otopalatodigital Syndrome Type 2 (FLNA-OPD2). Identifiers: Orphanet 669, Orphanet 90652, MedGen C1844696, MONDO:0010571, OMIM 304120.
Frontometaphyseal dysplasia (FMD1). Identifiers: Orphanet 1826, MedGen C0265293, MONDO:0015942.
Melnick-Needles syndrome (MNS). Also called: MELNICK-NEEDLES OSTEODYSPLASTY; OSTEODYSPLASTY OF MELNICK AND NEEDLES; Melnick-Needles Syndrome (FLNA-MNS). Identifiers: Orphanet 2484, MedGen C0025237, MONDO:0010650, OMIM 309350.
Heterotopia, periventricular, X-linked dominant (PVNH1). Also called: PERIVENTRICULAR NODULAR HETEROTOPIA 1; X-linked periventricular heterotopia; PERIVENTRICULAR NODULAR HETEROTOPIA 4; HETEROTOPIA, PERIVENTRICULAR, 1. Identifiers: Orphanet 2149, Orphanet 82004, MedGen C1848213, MONDO:0010233, OMIM 300049.

Allele frequency attached by ClinVar (database versions not stated): ExAC 0.00002; TOPMed 0.00001; gnomAD exomes below 0.00001 and 0.00001.

Submissions (4):

Ambry Genetics
Classification: Uncertain significance for Familial thoracic aortic aneurysm and aortic dissection. Last evaluated: 2026-06-18. Review status: criteria provided, single submitter. Criteria: Ambry Variant Classification Scheme 2023. Collection method: clinical testing. Allele origin: germline.
Comment: The p.T2446M variant (also known as c.7337C>T), located in coding exon 44 of the FLNA gene, results from a C to T substitution at nucleotide position 7337. The threonine at codon 2446 is replaced by methionine, an amino acid with similar properties. This amino acid position is conserved. In addition, this alteration is predicted to be deleterious by in silico analysis. Based on data from gnomAD, the T allele has an overall frequency of 0.0011% (2/179920) total alleles studied, with 1 hemizygote(s) observed. The highest observed frequency was 0.0074% (1/13525) of East Asian alleles. Based on the available evidence, the clinical significance of this variant remains unclear.

Labcorp Genetics (formerly Invitae), Labcorp
Classification: Benign for Oto-palato-digital syndrome, type II; Heterotopia, periventricular, X-linked dominant; Frontometaphyseal dysplasia; Melnick-Needles syndrome. Last evaluated: 2025-11-24. Review status: criteria provided, single submitter. Criteria: Invitae Variant Classification Sherloc (09022015). Collection method: clinical testing. Allele origin: germline.

Mayo Clinic Laboratories, Mayo Clinic
Classification: Uncertain significance. Last evaluated: 2025-11-17. Review status: criteria provided, single submitter. Criteria: ACMG Guidelines, 2015. Collection method: clinical testing. Allele origin: germline. Observed: 1 variant allele.
Comment: PP2, PP3_moderate

Women's Health and Genetics/Laboratory Corporation of America, LabCorp
Classification: Uncertain significance. Last evaluated: 2024-09-23. Review status: criteria provided, single submitter. Criteria: LabCorp Variant Classification Summary - May 2015. Collection method: clinical testing. Allele origin: germline.
Comment: Variant summary: FLNA c.7361C>T (p.Thr2454Met) results in a non-conservative amino acid change located in the Calponin homology domain (IPR001715) of the encoded protein sequence. Five of five in-silico tools predict a damaging effect of the variant on protein function. The variant allele was found at a frequency of 1.1e-05 in 179920 control chromosomes (gnomAD). The available data on variant occurrences in the general population are insufficient to allow any conclusion about variant significance. To our knowledge, no occurrence of c.7361C>T in individuals affected with Periventricular Nodular Heterotopia 1 and no experimental evidence demonstrating its impact on protein function have been reported. ClinVar contains an entry for this variant (Variation ID: 953225). Based on the evidence outlined above, the variant was classified as uncertain significance.

NM_001110556.2(FLNA):c.7361C>T (p.Thr2454Met)

Gene: FLNA (filamin A; minus strand). Cytogenetic location: Xq28.
Variant type: single nucleotide variant.
Coding change: c.7361C>T on transcript NM_001110556.2 (MANE Select); coding-DNA position 7361, C replaced by T.
Protein change: p.Thr2454Met; replaces threonine 2454 with methionine.
Molecular consequence: missense variant.
Genome position (GRCh38, 1-based): chrX:154,349,840, G>A on the plus strand (C>T on the coding strand, the complement: FLNA is on the minus strand). VCF-style: chrX-154349840-G-A. GRCh37 (hg19) VCF-style: chrX-153578208-G-A.
Other names: p.Thr2446Met; c.7337C>T, p.Thr2446Met (NM_001456.4); short protein forms T2446M, T2454M.
Identifiers: ClinVar variation 953225 (VCV000953225.14), dbSNP rs781788290, ClinGen allele CA10559900.
Genomic context (GRCh38, chrX:154,349,840, plus strand): 5'-ATCTTCACCTTGGAGGGGCCGTCAATGGTCACCGACAGGGCACCAGCTCCCGCATTGCTC[G>A]TGTTCACGACGAACTCAGCTGGGTTCCCTGGGAGCACAGGAGGTCAGGCAGAGCCAGACT-3'
Protein context (NP_001104026.1, residues 2444-2464): TGNPAEFVVN[Thr2454Met]SNAGAGALSV